The following is an entry in ClinVar:

ClinVar aggregate classification (germline): Pathogenic. Review status: criteria provided, multiple submitters, no conflicts (2 of 4 stars). 4 submissions from 4 submitters: Pathogenic (3). 1 of the submissions does not count toward it. Last evaluated 2025-12-29.

Conditions:
Fanconi anemia (FA). Also called: Fanconi's anemia. Identifiers: Orphanet 84, MedGen C0015625, MeSH D005199, MONDO:0019391.
Fanconi anemia complementation group A (FANCA). Also called: FANCA-Related Fanconi Anemia; Fanconi anemia, group A. Identifiers: Orphanet 84, MedGen C3469521, MONDO:0009215, OMIM 227650.

Allele frequency attached by ClinVar (database versions not stated): TOPMed below 0.00001.

Submissions (4):

Myriad Genetics, Inc.
Classification: Pathogenic for Fanconi anemia complementation group A. Last evaluated: 2025-12-29. Review status: criteria provided, single submitter. Criteria: Myriad Autosomal Dominant, Autosomal Recessive and X-Linked Classification Criteria (2023). Collection method: clinical testing. Allele origin: unknown.
Comment: NM_000135.2(FANCA):c.2005C>T(Q669*) is a nonsense variant classified as pathogenic in the context of Fanconi anemia complementation group A. Q669* has been observed in cases with relevant disease (PMID: 24584348). Relevant functional assessments of this variant are not available in the literature. Q669* has not been observed in referenced population frequency databases. In summary, NM_000135.2(FANCA):c.2005C>T(Q669*) is a nonsense variant in a gene where loss of function is a known mechanism of disease, is predicted to disrupt protein function, and has been observed more frequently in cases with the relevant disease than in healthy populations. Please note: this variant was assessed in the context of healthy population screening.

Labcorp Genetics (formerly Invitae), Labcorp
Classification: Pathogenic for Fanconi anemia. Last evaluated: 2025-07-30. Review status: criteria provided, single submitter. Criteria: Invitae Variant Classification Sherloc (09022015). Collection method: clinical testing. Allele origin: germline.
Comment: This sequence change creates a premature translational stop signal (p.Gln669*) in the FANCA gene. It is expected to result in an absent or disrupted protein product. Loss-of-function variants in FANCA are known to be pathogenic (PMID: 19367192). This variant is not present in population databases (gnomAD no frequency). This premature translational stop signal has been observed in individual(s) with clinical features of Fanconi anemia (PMID: 9399890, 24584348). ClinVar contains an entry for this variant (Variation ID: 974229). For these reasons, this variant has been classified as Pathogenic.

Baylor Genetics
Classification: Pathogenic for Fanconi anemia complementation group A. Last evaluated: 2023-04-18. Review status: criteria provided, single submitter. Criteria: ACMG Guidelines, 2015. Collection method: clinical testing. Allele origin: unknown.

Leiden Open Variation Database
Classification: Pathogenic for Fanconi anemia complementation group A. Last evaluated: 2020-02-28. Review status: no assertion criteria provided. Collection method: curation. Allele origin: germline. Affected: yes. Not counted in ClinVar's aggregate classification.
Comment: Curator: Arleen D. Auerbach. Submitter to LOVD: Arleen D. Auerbach.

Literature cited by the submitters: PubMed 24584348 (cited by Myriad Genetics, Inc. and Labcorp Genetics (formerly Invitae), Labcorp); PubMed 19367192 (cited by Labcorp Genetics (formerly Invitae), Labcorp); PubMed 9399890 (cited by Labcorp Genetics (formerly Invitae), Labcorp); PubMed 09399890 (cited by Leiden Open Variation Database).

NM_000135.4(FANCA):c.2005C>T (p.Gln669Ter)

Gene: FANCA (FA complementation group A; minus strand). Cytogenetic location: 16q24.3.
Variant type: single nucleotide variant.
Coding change: c.2005C>T on transcript NM_000135.4 (MANE Select); coding-DNA position 2005, C replaced by T.
Protein change: p.Gln669Ter; replaces glutamine 669 with a stop codon.
Molecular consequence: nonsense.
Genome position (GRCh38, 1-based): chr16:89,773,280, G>A on the plus strand (C>T on the coding strand, the complement: FANCA is on the minus strand). VCF-style: chr16-89773280-G-A. GRCh37 (hg19) VCF-style: chr16-89839688-G-A.
Other names: c.2005C>T, p.Gln669Ter (NM_001286167.3); short protein forms Q669*.
Identifiers: ClinVar variation 974229 (VCV000974229.8), dbSNP rs2039386741, ClinGen allele CA397449520.